The following continues an entry in ClinVar:

NM_007294.4(BRCA1):c.2167A>G (p.Asn723Asp)

Gene: BRCA1. ClinVar aggregate classification (germline): Benign. Benign (1).

Submissions 19 to 35 of 35:

Institute for Biomarker Research, Medical Diagnostic Laboratories, L.L.C.
Classification: Likely benign for Hereditary breast and ovarian cancer syndrome(HBOC). Last evaluated: 2017-02-14. Review status: criteria provided, single submitter. Criteria: ACMG Guidelines, 2015. Collection method: clinical testing. Allele origin: germline. Not counted in ClinVar's aggregate classification.

PreventionGenetics, part of Exact Sciences
Classification: Benign. Last evaluated: 2016-10-03. Review status: criteria provided, single submitter. Criteria: ACMG Guidelines, 2015. Collection method: clinical testing. Allele origin: germline. Not counted in ClinVar's aggregate classification.

Eurofins Ntd Llc (ga)
Classification: Likely benign. Last evaluated: 2016-01-11. Review status: criteria provided, single submitter. Criteria: EGL Classification Definitions 2015. Collection method: clinical testing. Allele origin: germline. Observed: 5 variant alleles, 5 heterozygotes. Not counted in ClinVar's aggregate classification.

Color Diagnostics, LLC DBA Color Health
Classification: Likely benign for Hereditary cancer-predisposing syndrome. Last evaluated: 2014-12-16. Review status: criteria provided, single submitter. Criteria: ACMG Guidelines, 2015. Collection method: clinical testing. Allele origin: germline. Not counted in ClinVar's aggregate classification.

Ambry Genetics
Classification: Benign for Hereditary cancer-predisposing syndrome. Last evaluated: 2014-11-18. Review status: criteria provided, single submitter. Criteria: Ambry Variant Classification Scheme 2023. Collection method: clinical testing. Allele origin: germline. Not counted in ClinVar's aggregate classification.

CSER _CC_NCGL, University of Washington
Classification: Likely benign for Prostate cancer. Last evaluated: 2014-06-01. Review status: criteria provided, single submitter. Criteria: Amendola et al. (Genome Res. 2015). Collection method: research. Allele origin: germline. Inheritance: Autosomal dominant inheritance. Study: ESP 6500 variant annotation. Not counted in ClinVar's aggregate classification.
Comment: Variants classified for the Actionable exomic incidental findings in 6503 participants: challenges of variant classification manuscript

Women's Health and Genetics/Laboratory Corporation of America, LabCorp
Classification: Benign for Hereditary breast ovarian cancer syndrome. Last evaluated: 2014-02-23. Review status: criteria provided, single submitter. Criteria: LabCorp Variant Classification Summary - May 2015. Collection method: clinical testing. Allele origin: germline. Not counted in ClinVar's aggregate classification.

BRCAlab, Lund University
Classification: Benign for Breast-ovarian cancer, familial, susceptibility to, 1. Last evaluated: 2020-03-02. Review status: no assertion criteria provided. Collection method: clinical testing. Allele origin: germline. Affected: yes. Not counted in ClinVar's aggregate classification.

True Health Diagnostics
Classification: Likely benign for Hereditary cancer-predisposing syndrome. Last evaluated: 2017-12-08. Review status: no assertion criteria provided. Collection method: clinical testing. Allele origin: germline. Not counted in ClinVar's aggregate classification.

Counsyl
Classification: Benign for Breast-ovarian cancer, familial 1. Last evaluated: 2014-04-25. Review status: no assertion criteria provided. Collection method: literature only. Allele origin: unknown. Inheritance: Autosomal dominant inheritance. Not counted in ClinVar's aggregate classification.

Research Molecular Genetics Laboratory, Women's College Hospital, University of Toronto
Classification: Benign. Last evaluated: 2014-01-31. Review status: no assertion criteria provided. Collection method: research. Allele origin: germline. Affected: yes. Study: The Canadian Open Genetics Repository (COGR). Not counted in ClinVar's aggregate classification.

Foulkes Cancer Genetics LDI, Lady Davis Institute for Medical Research
Classification: Likely benign for Breast and/or ovarian cancer. Last evaluated: 2013-09-16. Review status: no assertion criteria provided. Collection method: clinical testing. Allele origin: germline. Study: The Canadian Open Genetics Repository (COGR). Not counted in ClinVar's aggregate classification.

Sharing Clinical Reports Project (SCRP)
Classification: Likely benign for Breast-ovarian cancer, familial 1. Last evaluated: 2008-08-11. Review status: no assertion criteria provided. Collection method: clinical testing. Allele origin: germline. Not counted in ClinVar's aggregate classification.

Breast Cancer Information Core (BIC) (BRCA1)
Classification: Uncertain significance for Breast-ovarian cancer, familial 1. Last evaluated: 2002-05-29. Review status: no assertion criteria provided. Collection method: clinical testing. Allele origin: germline. Affected: yes. Observed: 26 variant alleles. Not counted in ClinVar's aggregate classification.

Clinical Genetics Laboratory, Department of Pathology, Netherlands Cancer Institute
Classification: Benign. Review status: no assertion criteria provided. Collection method: clinical testing. Allele origin: germline. Affected: yes. Study: VKGL Data-share Consensus. Not counted in ClinVar's aggregate classification.

Department of Pathology and Laboratory Medicine, Sinai Health System
Classification: Likely benign for Malignant tumor of breast. Review status: no assertion criteria provided. Collection method: clinical testing. Allele origin: unknown. Affected: yes. Study: The Canadian Open Genetics Repository (COGR). Not counted in ClinVar's aggregate classification.
Comment: The BRCA1 p.Asn723Asp variant was identified in an individual with hereditary prostate cancer (Zuhlke 2004), and in at least 20 other patients from a data set 55630 patients undergoing clinical BRCA1 mutation screening (Judkins 2005). The variant was also identified in HGMD, LOVD, the BIC database (26X with unknown clinical importance), and UMD (6X as a neutral variant). In UMD the variant was listed once as co-occurring with a known pathogenic mutation in BRCA1 (c.-200_80del (p.Met1SerfsX13)), and Judkins (2005) identified the variant in trans with a different pathogenic BRCA1 mutation (p.Cys64Tyr), increasing the likelihood that the p.Asn723Asp variant does not have clinical importance. This residue is not conserved in mammals and computational analyses (PolyPhen-2, SIFT, AlignGVGD, BLOSUM) do not suggest a high likelihood of impact to the protein; however, this information is not predictive enough to rule out pathogenicity. Three in silico studies suggest that the variant is not pathogenic or of no clinical significance (Abkevich 2004, Easton 2007, Lindor 2012). The variant was listed in dbSNP (ID: rs4986845) â€šÃ„ÃºWith non-pathogenic alleleâ€šÃ„Ã¹, with a minor allele frequency of 0.002 (1000 Genomes Project). It was also identified in the NHLBI Exome Sequencing Project with a frequency of 0.007 in African American alleles, and in several HapMap populations including HAPMAP-MKK (frequency: 0.014), HAPMAP-LWK (frequency: 0.011) and HAPMAP-ASW (frequency: 0.01), increasing the likelihood that this is a low frequency benign polymorphism in certain populations of origin. In summary, based on the above information, the clinical significance of this variant cannot be determined with certainty at this time although we would lean towards a more benign role for this variant. This variant is classified as likely benign.

Joint Genome Diagnostic Labs from Nijmegen and Maastricht, Radboudumc and MUMC+
Classification: Benign. Review status: no assertion criteria provided. Collection method: clinical testing. Allele origin: germline. Affected: yes. Study: VKGL Data-share Consensus. Not counted in ClinVar's aggregate classification.

Literature cited by the submitters: PubMed 21990134 (cited by Evidence-based Network for the Interpretation of Germline Mutant Alleles (ENIGMA) and Counsyl); DOI 10.3389/fgene.2022.834265 (cited by National Health Laboratory Service, Universitas Academic Hospital and University of the Free State); PubMed 36329109 (cited by Genetics Program, Instituto Nacional de Cancer); PubMed 15235020 (cited by Illumina Laboratory Services, Illumina and Counsyl); PubMed 16267036 (cited by Illumina Laboratory Services, Illumina and Counsyl); PubMed 15447980 (cited by Illumina Laboratory Services, Illumina and Counsyl); PubMed 12491487 (cited by Illumina Laboratory Services, Illumina); PubMed 17924331 (cited by Illumina Laboratory Services, Illumina and Counsyl); PubMed 24729269 (cited by Illumina Laboratory Services, Illumina); PubMed 24055113 (cited by Counsyl).